The following is an entry in ClinVar:

ClinVar aggregate classification (germline): Pathogenic/Likely pathogenic. Review status: criteria provided, multiple submitters, no conflicts (2 of 4 stars). 2 submissions from 2 submitters: Pathogenic (1); Likely pathogenic (1). Last evaluated 2025-02-19.

Conditions:
DNAH11-related disorders.
Primary ciliary dyskinesia 7. Also called: CILIARY DYSKINESIA, PRIMARY, 7, WITH OR WITHOUT SITUS INVERSUS. Identifiers: Orphanet 244, MedGen C2678473, MONDO:0012748, OMIM 611884.

gnomAD v4.1: 1 of 1,613,552 alleles (0.000062%); highest among the groups gnomAD compares: East Asian, 0.0022%; no homozygotes.

Submissions (2):

Broad Center for Mendelian Genomics, Broad Institute of MIT and Harvard
Classification: Likely pathogenic for Primary ciliary dyskinesia 7. Last evaluated: 2025-02-19. Review status: criteria provided, single submitter. Criteria: ACMG Guidelines, 2015. Collection method: curation. Allele origin: germline. Inheritance: Autosomal recessive inheritance.
Comment: The p.Gln2878Ter variant in DNAH11 has been reported in 1 individual with primary ciliary dyskinesia (PMID: 26909801), and has been identified in 0.002% (1/44842) of East Asian chromosomes by the Genome Aggregation Database (gnomAD). Although this variant has been seen in the general population in a heterozygous state, its frequency is low enough to be consistent with a recessive carrier frequency. This nonsense variant leads to a premature termination codon at position 2878, which is predicted to lead to a truncated or absent protein. Loss of function of the DNAH11 gene is an established disease mechanism in autosomal recessive primary ciliary dyskinesia. In summary, although additional studies are required to fully establish its clinical significance, this variant is likely pathogenic for autosomal recessive primary ciliary dyskinesia. ACMG/AMP Criteria applied: PVS1, PM2_supporting (Richards 2015).

Blueprint Genetics
Classification: Pathogenic for DNAH11-related disorders. Last evaluated: 2021-04-08. Review status: criteria provided, single submitter. Criteria: ACMG Guidelines, 2015. Collection method: clinical testing. Allele origin: germline. Affected: yes. Observed: 3 variant alleles.

NM_001277115.2(DNAH11):c.8632C>T (p.Gln2878Ter)

Gene: DNAH11 (dynein axonemal heavy chain 11; plus strand). Cytogenetic location: 7p15.3.
Variant type: single nucleotide variant.
Coding change: c.8632C>T on transcript NM_001277115.2 (MANE Select); coding-DNA position 8632, C replaced by T.
Protein change: p.Gln2878Ter; replaces glutamine 2878 with a stop codon.
Molecular consequence: nonsense.
Genome position (GRCh38, 1-based): chr7:21,748,701, C>T. VCF-style: chr7-21748701-C-T. GRCh37 (hg19) VCF-style: chr7-21788319-C-T.
Other names: NM_001277115.2:c.8632C>T; short protein forms Q2878*.
Identifiers: ClinVar variation 3776939 (VCV003776939.2).